The following is an entry in ClinVar:

ClinVar aggregate classification (germline): Uncertain significance (1 of 4 stars; one submission).

Conditions:
Generalized epilepsy with febrile seizures plus, type 7 (GEFSP7). Also called: GEFS+, TYPE 7. Identifiers: Orphanet 36387, MedGen C2751778, MONDO:0013470, OMIM 613863.
Neuropathy, hereditary sensory and autonomic, type 2A (HSAN2A). Also called: ACROOSTEOLYSIS, GIACCAI TYPE; ACROOSTEOLYSIS, NEUROGENIC; HSAN IIA; WNK1-Related HSAN2 (HSAN2A); MORVAN DISEASE; NEUROPATHY, CONGENITAL SENSORY. Identifiers: Orphanet 970, MedGen C2752089, MONDO:0024309, OMIM 201300.

Allele frequency attached by ClinVar (database versions not stated): gnomAD exomes below 0.00001.
gnomAD v4.1: 1 of 1,611,576 alleles (0.000062%); highest among the groups gnomAD compares: Non-Finnish European, 0.000085%; no homozygotes.

Submission:

Labcorp Genetics (formerly Invitae), Labcorp
Classification: Uncertain significance for Neuropathy, hereditary sensory and autonomic, type 2A; Generalized epilepsy with febrile seizures plus, type 7. Last evaluated: 2025-11-05. Review status: criteria provided, single submitter. Criteria: Invitae Variant Classification Sherloc (09022015). Collection method: clinical testing. Allele origin: germline.
Comment: This sequence change replaces threonine, which is neutral and polar, with isoleucine, which is neutral and non-polar, at codon 1241 of the SCN9A protein (p.Thr1241Ile). This variant is present in population databases (no rsID available, gnomAD 0.0009%). This variant has not been reported in the literature in individuals affected with SCN9A-related conditions. ClinVar contains an entry for this variant (Variation ID: 2923083). Invitae Evidence Modeling of protein sequence and biophysical properties (such as structural, functional, and spatial information, amino acid conservation, physicochemical variation, residue mobility, and thermodynamic stability) indicates that this missense variant is not expected to disrupt SCN9A protein function with a negative predictive value of 95%. In summary, the available evidence is currently insufficient to determine the role of this variant in disease. Therefore, it has been classified as a Variant of Uncertain Significance.

NM_001365536.1(SCN9A):c.3755C>T (p.Thr1252Ile)

Genes: SCN1A-AS1 (SCN1A and SCN9A antisense RNA 1; plus strand), SCN9A (sodium voltage-gated channel alpha subunit 9; minus strand). Cytogenetic location: 2q24.3.
Variant type: single nucleotide variant.
Coding change: c.3755C>T on transcript NM_001365536.1 (MANE Select); coding-DNA position 3755, C replaced by T.
Protein change: p.Thr1252Ile; replaces threonine 1252 with isoleucine.
Molecular consequence: missense variant.
Genome position (GRCh38, 1-based): chr2:166,238,140, G>A on the plus strand (C>T on the coding strand, the complement: SCN9A is on the minus strand). VCF-style: chr2-166238140-G-A. GRCh37 (hg19) VCF-style: chr2-167094650-G-A.
Other names: c.3722C>T, p.Thr1241Ile (NM_002977.4); short protein forms T1252I, T1241I.
Identifiers: ClinVar variation 2923083 (VCV002923083.3), dbSNP rs1364799241, ClinGen allele CA349068542.
Genomic context (GRCh38, chr2:166,238,140, plus strand): 5'-TCAAAAGTACCTACATCAACAATTAGGAAATCCAGCCAACACCAGGCATTGGTGAAATAT[G>A]TTTTATAACCATATGCTATCCATTTTAGAAGCATTTCCAGAATGAAGATGTAAGTGAAGA-3'
Protein context (NP_001352465.1, residues 1242-1262): LLKWIAYGYK[Thr1252Ile]YFTNAWCWLD